The following is an entry in ClinVar:

ClinVar aggregate classification (germline): Uncertain significance (1 of 4 stars; one submission).

Conditions:
Aldosterone-producing adenoma with seizures and neurological abnormalities. Also called: Primary aldosteronism, seizures, and neurologic abnormalities. Identifiers: Orphanet 369929, MedGen C3809609, MONDO:0014200, OMIM 615474.
Sinoatrial node dysfunction and deafness (SANDD). Identifiers: Orphanet 324321, MedGen C3554018, MONDO:0013960, OMIM 614896.

Submission:

Juno Genomics, Hangzhou Juno Genomics, Inc
Classification: Uncertain significance for Sinoatrial node dysfunction and deafness; Aldosterone-producing adenoma with seizures and neurological abnormalities. Review status: criteria provided, single submitter. Criteria: ACMG Guidelines, 2015. Collection method: clinical testing. Allele origin: germline.
Comment: Missense variant in a gene that has a low rate of benign missense variation.;Multiple lines of computational evidence support a deleterious effect on the gene or gene product.;Absent from controls (or at extremely low frequency if recessive) in Genome Aggregation Database.

NM_001128840.3(CACNA1D):c.2683T>C (p.Phe895Leu)

Gene: CACNA1D (calcium voltage-gated channel subunit alpha1 D; plus strand). Cytogenetic location: 3p21.1.
Variant type: single nucleotide variant.
Coding change: c.2683T>C on transcript NM_001128840.3 (MANE Select); coding-DNA position 2683, T replaced by C.
Protein change: p.Phe895Leu; replaces phenylalanine 895 with leucine.
Molecular consequence: missense variant.
Genome position (GRCh38, 1-based): chr3:53,735,435, T>C. VCF-style: chr3-53735435-T-C. GRCh37 (hg19) VCF-style: chr3-53769462-T-C.
Other names: c.2743T>C, p.Phe915Leu (NM_000720.4); c.2683T>C, p.Phe895Leu (NM_001128839.3); short protein forms F915L, F895L.
Identifiers: ClinVar variation 5006664 (VCV005006664.2).